The following is an entry in ClinVar:

NM_018245.3(OGDHL):c.2920C>T (p.Arg974Trp)

Gene: OGDHL (oxoglutarate dehydrogenase L; minus strand). Cytogenetic location: 10q11.23.
Variant type: single nucleotide variant.
Coding change: c.2920C>T on transcript NM_018245.3 (MANE Select); coding-DNA position 2920, C replaced by T.
Protein change: p.Arg974Trp; replaces arginine 974 with tryptophan.
Molecular consequence: missense variant. On other transcripts: non-coding transcript variant (5).
Genome position (GRCh38, 1-based): chr10:49,735,341, G>A on the plus strand (C>T on the coding strand, the complement: OGDHL is on the minus strand). VCF-style: chr10-49735341-G-A. GRCh37 (hg19) VCF-style: chr10-50943387-G-A.
Other names: c.2749C>T, p.Arg917Trp (NM_001143996.2, NM_001347820.1); c.2293C>T, p.Arg765Trp (NM_001143997.2, NM_001347821.2, NM_001347822.1); c.2920C>T, p.Arg974Trp (NM_001347819.1); c.2740C>T, p.Arg914Trp (NM_001347823.1, NM_001347824.2); c.2113C>T, p.Arg705Trp (NM_001347825.2); c.1723C>T, p.Arg575Trp (NM_001347826.1); short protein forms R575W, R705W, R765W, R914W, R917W, R974W.
Identifiers: ClinVar variation 3342891 (VCV003342891.1).
Genomic context (GRCh38, chr10:49,735,341, plus strand): 5'-TCTTCAGTGACACCAGGTGAGTGTTCCTGTTTCCTGTGGCTGGTGCAGCCGCTGGGTCCC[G>A]GCCAACATACCTGGAGGAGGAGAGACAAGCTAAGGGGAAGGCGGGGCCTAGCCGCCCCCC-3'
Protein context (NP_060715.2, residues 964-984): RRARPIWYVG[Arg974Trp]DPAAAPATGN

ClinVar aggregate classification (germline): Uncertain significance (1 of 4 stars; one submission).

gnomAD v4.1: 12 of 1,612,966 alleles (0.00074%); highest among the groups gnomAD compares: African/African-American, 0.004%; no homozygotes.

Submission:

GeneDx
Classification: Uncertain significance. Last evaluated: 2023-03-22. Review status: criteria provided, single submitter. Criteria: GeneDx Variant Classification Process June 2021. Collection method: clinical testing. Allele origin: germline. Affected: yes.
Comment: In silico analysis supports that this missense variant has a deleterious effect on protein structure/function; Has not been previously published as pathogenic or benign to our knowledge; Variants in candidate genes are classified as variants of uncertain significance in accordance with ACMG guidelines (Richards et al., 2015)